The following is an entry in ClinVar:

ClinVar aggregate classification (germline): Conflicting classifications of pathogenicity. Review status: criteria provided, conflicting classifications (1 of 4 stars). 3 submissions from 3 submitters: Uncertain significance (2); Likely benign (1). Last evaluated 2025-04-14.

Conditions:
Hereditary cancer-predisposing syndrome. Also called: Neoplastic Syndromes, Hereditary; Hereditary neoplastic syndrome; Tumor predisposition; Hereditary Cancer Syndrome. Identifiers: Orphanet 140162, MedGen C0027672, MeSH D009386, MONDO:0015356.
Fanconi anemia complementation group J. Also called: BRIP1-Related Fanconi Anemia. Identifiers: Orphanet 84, MedGen C1836860, MONDO:0012187, OMIM 609054.
Familial cancer of breast. Also called: BREAST CANCER, FAMILIAL; hereditary breast carcinoma; Hereditary breast cancer. Identifiers: Orphanet 227535, MedGen C0346153, MONDO:0016419, OMIM 114480. Disease mechanism: loss of function.

Submissions (3):

Labcorp Genetics (formerly Invitae), Labcorp
Classification: Uncertain significance for Familial cancer of breast; Fanconi anemia complementation group J. Last evaluated: 2025-04-14. Review status: criteria provided, single submitter. Criteria: Invitae Variant Classification Sherloc (09022015). Collection method: clinical testing. Allele origin: germline.
Comment: This sequence change replaces cysteine, which is neutral and slightly polar, with tyrosine, which is neutral and polar, at codon 443 of the BRIP1 protein (p.Cys443Tyr). This variant is not present in population databases (gnomAD no frequency). This variant has not been reported in the literature in individuals affected with BRIP1-related conditions. ClinVar contains an entry for this variant (Variation ID: 530288). Invitae Evidence Modeling of protein sequence and biophysical properties (such as structural, functional, and spatial information, amino acid conservation, physicochemical variation, residue mobility, and thermodynamic stability) indicates that this missense variant is not expected to disrupt BRIP1 protein function with a negative predictive value of 95%. In summary, the available evidence is currently insufficient to determine the role of this variant in disease. Therefore, it has been classified as a Variant of Uncertain Significance.

GeneDx
Classification: Uncertain significance. Last evaluated: 2023-04-19. Review status: criteria provided, single submitter. Criteria: GeneDx Variant Classification Process June 2021. Collection method: clinical testing. Allele origin: germline. Affected: yes.
Comment: Not observed at significant frequency in large population cohorts (gnomAD); In silico analysis supports that this missense variant does not alter protein structure/function; Has not been previously published as pathogenic or benign to our knowledge; This variant is associated with the following publications: (PMID: 35681111)

Ambry Genetics
Classification: Likely benign for Hereditary cancer-predisposing syndrome. Last evaluated: 2018-03-16. Review status: criteria provided, single submitter. Criteria: Ambry Variant Classification Scheme 2023. Collection method: clinical testing. Allele origin: germline.

NM_032043.3(BRIP1):c.1328G>A (p.Cys443Tyr)

Gene: BRIP1 (BRCA1 interacting DNA helicase 1; minus strand). Cytogenetic location: 17q23.2.
Variant type: single nucleotide variant.
Coding change: c.1328G>A on transcript NM_032043.3 (MANE Select); coding-DNA position 1328, G replaced by A.
Protein change: p.Cys443Tyr; replaces cysteine 443 with tyrosine.
Molecular consequence: missense variant.
Genome position (GRCh38, 1-based): chr17:61,799,112, C>T on the plus strand (G>A on the coding strand, the complement: BRIP1 is on the minus strand). VCF-style: chr17-61799112-C-T. GRCh37 (hg19) VCF-style: chr17-59876473-C-T.
Other names: short protein forms C443Y.
Identifiers: ClinVar variation 530288 (VCV000530288.14), dbSNP rs1555607035, ClinGen allele CA400483360.